The following is an entry in ClinVar:

ClinVar aggregate classification (germline): Likely benign (1 of 4 stars; one submission).

Allele frequency attached by ClinVar (database versions not stated): gnomAD 0.00003; TOPMed 0.00005; ExAC 0.00006; ESP Exome Variant Server 0.00008.

Submission:

CeGaT Center for Human Genetics Tuebingen
Classification: Likely benign. Last evaluated: 2022-03-01. Review status: criteria provided, single submitter. Criteria: CeGaT Center For Human Genetics Tuebingen Variant Classification Criteria Version 2. Collection method: clinical testing. Allele origin: germline. Affected: yes. Observed: 1 variant allele.
Comment: SPHK2: BP4, BP7

NM_020126.5(SPHK2):c.1245C>T (p.Pro415=)

Gene: SPHK2 (sphingosine kinase 2; plus strand). Cytogenetic location: 19q13.33.
Variant type: single nucleotide variant.
Coding change: c.1245C>T on transcript NM_020126.5 (MANE Select); coding-DNA position 1245, C replaced by T.
Protein change: p.Pro415=; no amino-acid change (proline 415 retained).
Molecular consequence: synonymous variant.
Genome position (GRCh38, 1-based): chr19:48,629,053, C>T. VCF-style: chr19-48629053-C-T. GRCh37 (hg19) VCF-style: chr19-49132310-C-T.
Other names: c.1068C>T, p.Pro356= (NM_001204158.3); c.1245C>T, p.Pro415= (NM_001204159.3); c.1137C>T, p.Pro379= (NM_001204160.3); c.627C>T, p.Pro209= (NM_001243876.2).
Identifiers: ClinVar variation 2650214 (VCV002650214.24), dbSNP rs370772383, ClinGen allele CA9554815.
Genomic context (GRCh38, chr19:48,629,053, plus strand): 5'-TCGTGCCAAGTCGGAGCTGACCCTAACCCCAGACCCAGCCCCGCCCATGGCCCACTCACC[C>T]CTGCATCGTTCTGTGTCTGACCTGCCTCTTCCCCTGCCCCAGCCTGCCCTGGCCTCTCCT-3'
Protein context (NP_064511.2, residues 405-425): PDPAPPMAHS[Pro415=]LHRSVSDLPL